The following is an entry in ClinVar:

ClinVar aggregate classification (germline): Conflicting classifications of pathogenicity. Review status: criteria provided, conflicting classifications (1 of 4 stars). 2 submissions from 2 submitters: Uncertain significance (1); Likely benign (1). Last evaluated 2025-07-01.

gnomAD v4.1: 31 of 1,604,930 alleles (0.0019%); highest among the groups gnomAD compares: South Asian, 0.013%; no homozygotes.

Submissions (2):

CeGaT Center for Human Genetics Tuebingen
Classification: Uncertain significance. Last evaluated: 2025-07-01. Review status: criteria provided, single submitter. Criteria: CeGaT Center For Human Genetics Tuebingen Variant Classification Criteria Version 2. Collection method: clinical testing. Allele origin: germline. Affected: yes. Observed: 1 variant allele.
Comment: LTBP1: PM2, BP4

Ambry Genetics
Classification: Likely benign. Last evaluated: 2024-08-20. Review status: criteria provided, single submitter. Criteria: Ambry Variant Classification Scheme 2023. Collection method: clinical testing. Allele origin: germline.

NM_206943.4(LTBP1):c.3380G>A (p.Arg1127His)

Gene: LTBP1 (latent transforming growth factor beta binding protein 1; plus strand). Cytogenetic location: 2p22.3.
Variant type: single nucleotide variant.
Coding change: c.3380G>A on transcript NM_206943.4 (MANE Select); coding-DNA position 3380, G replaced by A.
Protein change: p.Arg1127His; replaces arginine 1127 with histidine.
Molecular consequence: missense variant.
Genome position (GRCh38, 1-based): chr2:33,301,543, G>A. VCF-style: chr2-33301543-G-A. GRCh37 (hg19) VCF-style: chr2-33526610-G-A.
Other names: c.2402G>A, p.Arg801His (NM_000627.4, NM_001166264.2, NM_001394912.1 and 1 more transcripts); c.2243G>A, p.Arg748His (NM_001166265.2, NM_001166266.2, NM_001394925.1); c.3221G>A, p.Arg1074His (NM_001394905.1); c.2399G>A, p.Arg800His (NM_001394906.1, NM_001394910.1, NM_001394919.1); c.2315G>A, p.Arg772His (NM_001394907.1); c.2282G>A, p.Arg761His (NM_001394908.1); c.2276G>A, p.Arg759His (NM_001394909.1, NM_001394917.1); c.2273G>A, p.Arg758His (NM_001394911.1); and 6 more; short protein forms R1074H, R1127H, R758H, R666H, R706H, R759H, R772H, R720H.
Identifiers: ClinVar variation 3541022 (VCV003541022.9).
Genomic context (GRCh38, chr2:33,301,543, plus strand): 5'-CACCACTTCCACAGTTTCTTTGTATTCTCTTGCTCATAGACATTGATGAATGCCAGCACC[G>A]TCATCTCTGTGCTCATGGGCAGTGCAGGAACACTGAGGGCTCTTTTCAATGTGTGTGTGA-3'
Protein context (NP_996826.3, residues 1117-1137): QCEDIDECQH[Arg1127His]HLCAHGQCRN